The following is an entry in ClinVar:

ClinVar aggregate classification (germline): Pathogenic (1 of 4 stars; one submission).

Conditions:
Charcot-Marie-Tooth disease type 4D. Also called: CHARCOT-MARIE-TOOTH DISEASE, DEMYELINATING, AUTOSOMAL RECESSIVE, TYPE 4D; NEUROPATHY, HEREDITARY MOTOR AND SENSORY, LOM TYPE; Charcot-Marie-Tooth Neuropathy Type 4D; CHARCOT-MARIE-TOOTH DISEASE, DEMYELINATING, TYPE 4D. Identifiers: Orphanet 99950, MedGen C1832334, MONDO:0011085, OMIM 601455.

Submission:

Women's Health and Genetics/Laboratory Corporation of America, LabCorp
Classification: Pathogenic for Charcot-Marie-Tooth disease type 4D. Last evaluated: 2024-03-12. Review status: criteria provided, single submitter. Criteria: LabCorp Variant Classification Summary - May 2015. Collection method: clinical testing. Allele origin: germline.
Comment: Variant summary: NDRG1 c.580delC (p.His194ThrfsX23) results in a premature termination codon, predicted to cause a truncation of the encoded protein or absence of the protein due to nonsense mediated decay, which are commonly known mechanisms for disease. The variant was absent in 251314 control chromosomes. To our knowledge, no occurrence of c.580delC in individuals affected with Charcot-Marie Disease Type 4D and no experimental evidence demonstrating its impact on protein function have been reported. No submitters have cited clinical-significance assessments for this variant to ClinVar. Based on the evidence outlined above, the variant was classified as pathogenic.

NM_006096.4(NDRG1):c.580del (p.His194fs)

Gene: NDRG1 (N-myc downstream regulated 1; minus strand). Cytogenetic location: 8q24.22.
Variant type: Deletion.
Coding change: c.580del on transcript NM_006096.4 (MANE Select); coding-DNA position 580, one base deleted (C; older notation c.580delC).
Protein change: p.His194fs; shifts the reading frame from histidine 194.
Molecular consequence: frameshift variant.
Genome position (GRCh38, 1-based): chr8:133,254,553, G deleted on the plus strand (C on the coding strand, the reverse complement: NDRG1 is on the minus strand); the first of 3 consecutive G bases (chr8:133,254,553-133,254,555); deleting any one gives the same sequence. VCF-style (leftmost placement, unchanged base first): chr8-133254552-TG-T. GRCh37 (hg19) VCF-style: chr8-134266795-TG-T.
Other names: c.580del, p.His194fs (NM_001135242.2, NM_001374845.1, NM_001374846.1); c.382del, p.His128fs (NM_001258432.2, NM_001374847.1); c.337del, p.His113fs (NM_001258433.2); c.631del, p.His211fs (NM_001374844.1); c.580delC (NM_006096.4); short protein forms H113fs, H128fs, H194fs, H211fs.
Identifiers: ClinVar variation 3233483 (VCV003233483.2), dbSNP rs2538042150, ClinGen allele CA2825001579.
Genomic context (GRCh38, chr8:133,254,552, plus strand): 5'-TGCCTTGCTCAGCAGGAACAACAGATTTGCCAGACCACGCAACTCACCTTCCCAAAAAGG[TG>T]GGACACCACCATGTCCGGCAGAGCTTGGGTCCATCCTGAGATCTGGAAAGGAGTAAAGTG-3'